The following is an entry in ClinVar:

ClinVar aggregate classification (germline): Uncertain significance (1 of 4 stars; one submission).

Allele frequency attached by ClinVar (database versions not stated): gnomAD exomes below 0.00001.
gnomAD v4.1: 3 of 1,203,636 alleles (0.00025%); highest among the groups gnomAD compares: South Asian, 0.0018%; no homozygotes.

Submission:

GeneDx
Classification: Uncertain significance. Last evaluated: 2021-03-23. Review status: criteria provided, single submitter. Criteria: GeneDx Variant Classification Process June 2021. Collection method: clinical testing. Allele origin: germline. Affected: yes.
Comment: Not observed in large population cohorts (Lek et al., 2016); In silico analysis supports that this missense variant has a deleterious effect on protein structure/function; Has not been previously published as pathogenic or benign to our knowledge

NM_001830.4(CLCN4):c.1565C>T (p.Ala522Val)

Gene: CLCN4 (chloride voltage-gated channel 4; plus strand). Cytogenetic location: Xp22.2.
Variant type: single nucleotide variant.
Coding change: c.1565C>T on transcript NM_001830.4 (MANE Select); coding-DNA position 1565, C replaced by T.
Protein change: p.Ala522Val; replaces alanine 522 with valine.
Molecular consequence: missense variant.
Genome position (GRCh38, 1-based): chrX:10,212,642, C>T. VCF-style: chrX-10212642-C-T. GRCh37 (hg19) VCF-style: chrX-10180682-C-T.
Other names: c.1283C>T, p.Ala428Val (NM_001256944.2); short protein forms A428V, A522V.
Identifiers: ClinVar variation 1309089 (VCV001309089.2), dbSNP rs2147182765, ClinGen allele CA412041239.